The following is an entry in ClinVar:

NM_000051.4(ATM):c.1004G>C (p.Gly335Ala)

Gene: ATM (ATM serine/threonine kinase; plus strand). Cytogenetic location: 11q22.3.
Variant type: single nucleotide variant.
Coding change: c.1004G>C on transcript NM_000051.4 (MANE Select); coding-DNA position 1004, G replaced by C.
Protein change: p.Gly335Ala; replaces glycine 335 with alanine.
Molecular consequence: missense variant.
Genome position (GRCh38, 1-based): chr11:108,247,066, G>C. VCF-style: chr11-108247066-G-C. GRCh37 (hg19) VCF-style: chr11-108117793-G-C.
Other names: c.1004G>C, p.Gly335Ala (NM_001351834.2); short protein forms G335A.
Identifiers: ClinVar variation 5032196 (VCV005032196.1).

ClinVar aggregate classification (germline): Uncertain significance (1 of 4 stars; one submission).

Conditions:
Hereditary cancer-predisposing syndrome. Also called: Neoplastic Syndromes, Hereditary; Tumor predisposition; Hereditary neoplastic syndrome; Hereditary Cancer Syndrome. Identifiers: Orphanet 140162, MedGen C0027672, MeSH D009386, MONDO:0015356.

gnomAD v4.1: 1 of 1,613,922 alleles (0.000062%); highest among the groups gnomAD compares: Non-Finnish European, 0.000085%; no homozygotes.

Submission:

Ambry Genetics
Classification: Uncertain significance for Hereditary cancer-predisposing syndrome. Last evaluated: 2026-08-20. Review status: criteria provided, single submitter. Criteria: Ambry Variant Classification Scheme 2023. Collection method: clinical testing. Allele origin: germline.
Comment: The p.G335A variant (also known as c.1004G>C), located in coding exon 7 of the ATM gene, results from a G to C substitution at nucleotide position 1004. The glycine at codon 335 is replaced by alanine, an amino acid with similar properties. In an assay testing ATM function, this variant showed a functionally normal result (Lee KS et al. Cell, 2025 Sep;188:5081-5099.e27). This amino acid position is highly conserved in available vertebrate species. In addition, the in silico prediction for this alteration is inconclusive. Based on the available evidence, the clinical significance of this variant remains unclear.

Literature cited by the submitters: PubMed 40580951.